The following is an entry in ClinVar:

NM_001035.3(RYR2):c.2633T>G (p.Leu878Arg)

Gene: RYR2 (ryanodine receptor 2; plus strand). Cytogenetic location: 1q43.
Variant type: single nucleotide variant.
Coding change: c.2633T>G on transcript NM_001035.3 (MANE Select); coding-DNA position 2633, T replaced by G.
Protein change: p.Leu878Arg; replaces leucine 878 with arginine.
Molecular consequence: missense variant.
Genome position (GRCh38, 1-based): chr1:237,506,729, T>G. VCF-style: chr1-237506729-T-G. GRCh37 (hg19) VCF-style: chr1-237670029-T-G.
Other names: short protein forms L878R.
Identifiers: ClinVar variation 4825546 (VCV004825546.1).

ClinVar aggregate classification (germline): Uncertain significance (1 of 4 stars; one submission).

Conditions:
Cardiovascular phenotype. Identifiers: MedGen CN230736.

Submission:

Ambry Genetics
Classification: Uncertain significance for Cardiovascular phenotype. Last evaluated: 2026-02-14. Review status: criteria provided, single submitter. Criteria: Ambry Variant Classification Scheme 2023. Collection method: clinical testing. Allele origin: germline.
Comment: The p.L878R variant (also known as c.2633T>G), located in coding exon 23 of the RYR2 gene, results from a T to G substitution at nucleotide position 2633. The leucine at codon 878 is replaced by arginine, an amino acid with dissimilar properties. This amino acid position is conserved. In addition, this alteration is predicted to be deleterious by in silico analysis. Based on the available evidence, the clinical significance of this variant remains unclear.